The following is an entry in ClinVar:

NM_004380.3(CREBBP):c.6612GCA[4] (p.Gln2216dup)

Gene: CREBBP (CREB binding lysine acetyltransferase; minus strand). Cytogenetic location: 16p13.3.
Variant type: Microsatellite.
Coding change: c.6612GCA[4] on transcript NM_004380.3 (MANE Select); four copies in a row of the 3-base unit GCA starting at c.6612; the reference has three copies in a row; one copy, 3 bases duplicated; also written c.6618_6620dup.
Protein change: p.Gln2216dup; duplicates glutamine 2216.
Molecular consequence: inframe insertion.
Genome position (GRCh38, 1-based): chr16:3,728,427-3,728,429, TGC duplicated on the plus strand (GCA on the coding strand, the reverse complement: CREBBP is on the minus strand); duplicating any 3 consecutive bases within chr16:3,728,427-3,728,437 gives the same sequence; the position shown is the placement nearest the transcript's 3' end. VCF-style (leftmost placement, unchanged base first): chr16-3728426-T-TTGC. GRCh37 (hg19) VCF-style: chr16-3778427-T-TTGC.
Other names: c.6618_6620dup (NM_004380.3); c.6618_6620dupGCA (NM_004380.2); c.6498GCA[4], p.Gln2178dup (NM_001079846.1).
Identifiers: ClinVar variation 210787 (VCV000210787.21), dbSNP rs779647460, ClinGen allele CA202520.

ClinVar aggregate classification (germline): Conflicting classifications of pathogenicity. Review status: criteria provided, conflicting classifications (1 of 4 stars). 6 submissions from 6 submitters: Uncertain significance (1); Likely benign (4). 1 of the submissions does not count toward it. Last evaluated 2026-01-26.

Conditions:
Menke-Hennekam syndrome 1 (MKHK1). Identifiers: MedGen C5193034, MONDO:0020763, OMIM 618332.
Rubinstein-Taybi syndrome due to CREBBP mutations (RSTS1). Also called: RUBINSTEIN SYNDROME; BROAD THUMBS AND GREAT TOES, CHARACTERISTIC FACIES, AND IMPAIRED INTELLECTUAL DEVELOPMENT; RUBINSTEIN-TAYBI SYNDROME 1, INCOMPLETE; BROAD THUMB-HALLUX SYNDROME; Rubinstein-Taybi syndrome 1; CREBBP-Related Rubinstein-Taybi Syndrome. Identifiers: Orphanet 353277, Orphanet 783, MedGen C4551859, MONDO:0008393, OMIM 180849.
CREBBP-related disorder. Also called: CREBBP-related disorders; CREBBP-related condition.
Inborn genetic diseases. Identifiers: MedGen C0950123, MeSH D030342.
Rubinstein-Taybi syndrome (RSTS). Identifiers: Orphanet 783, MedGen C0035934, MONDO:0019188.

Submissions (6):

Labcorp Genetics (formerly Invitae), Labcorp
Classification: Uncertain significance for Rubinstein-Taybi syndrome. Last evaluated: 2026-01-26. Review status: criteria provided, single submitter. Criteria: Invitae Variant Classification Sherloc (09022015). Collection method: clinical testing. Allele origin: germline.
Comment: This variant, c.6618_6620dup, results in the insertion of 1 amino acid(s) of the CREBBP protein (p.Gln2216dup), but otherwise preserves the integrity of the reading frame. The frequency data for this variant in the population databases is considered unreliable, as metrics indicate poor data quality at this position in the gnomAD database. This variant has not been reported in the literature in individuals affected with CREBBP-related conditions. Experimental studies and prediction algorithms are not available or were not evaluated, and the functional significance of this variant is currently unknown. In summary, the available evidence is currently insufficient to determine the role of this variant in disease. Therefore, it has been classified as a Variant of Uncertain Significance.

Fulgent Genetics
Classification: Likely benign for Rubinstein-Taybi syndrome due to CREBBP mutations; Menke-Hennekam syndrome 1. Last evaluated: 2021-09-27. Review status: criteria provided, single submitter. Criteria: ACMG Guidelines, 2015. Collection method: clinical testing. Allele origin: unknown.

Ambry Genetics
Classification: Likely benign for Inborn genetic diseases. Last evaluated: 2018-12-29. Review status: criteria provided, single submitter. Criteria: Ambry Variant Classification Scheme 2023. Collection method: clinical testing. Allele origin: germline.

Eurofins Ntd Llc (ga)
Classification: Likely benign. Last evaluated: 2015-01-05. Review status: criteria provided, single submitter. Criteria: EGL Classification Definitions. Collection method: clinical testing. Allele origin: germline. Observed: 1 variant allele, 1 heterozygote.

Genetic Services Laboratory, University of Chicago
Classification: Likely benign. Last evaluated: 2013-02-08. Review status: criteria provided, single submitter. Criteria: ACMG Guidelines, 2007. Collection method: clinical testing. Allele origin: germline.

PreventionGenetics, part of Exact Sciences
Classification: Likely benign for CREBBP-related condition. Last evaluated: 2019-07-08. Review status: no assertion criteria provided. Collection method: clinical testing. Allele origin: germline. Not counted in ClinVar's aggregate classification.
Comment: This variant is classified as likely benign based on ACMG/AMP sequence variant interpretation guidelines (Richards et al. 2015 PMID: 25741868, with internal and published modifications).